The following is an entry in ClinVar:

ClinVar aggregate classification (germline): Pathogenic (1 of 4 stars; one submission).

Conditions:
Cohen syndrome (COH1). Also called: PEPPER SYNDROME; Cutis verticis gyrata, retinitis pigmentosa, and sensorineural deafness. Identifiers: Orphanet 193, MedGen C0265223, MONDO:0008999, OMIM 216550.

Submission:

Myriad Genetics, Inc.
Classification: Pathogenic for Cohen syndrome. Last evaluated: 2025-03-23. Review status: criteria provided, single submitter. Criteria: Myriad Autosomal Dominant, Autosomal Recessive and X-Linked Classification Criteria (2023). Collection method: clinical testing. Allele origin: unknown.
Comment: NM_017890.4(VPS13B):c.6517_6518delCAinsT(Q2173*) is a frameshift variant classified as pathogenic in the context of Cohen syndrome. Q2173* has not been observed in cases with relevant disease. Relevant functional assessments of this variant are not available in the literature. Q2173* has not been observed in referenced population frequency databases. In summary, NM_017890.4(VPS13B):c.6517_6518delCAinsT(Q2173*) is a frameshift variant in a gene where loss of function is a known mechanism of disease and is predicted to disrupt protein function. Please note: this variant was assessed in the context of healthy population screening.

NM_152564.5(VPS13B):c.6442_6443delinsT (p.Thr2147_Gln2148insTer)

Gene: VPS13B (vacuolar protein sorting 13 homolog B; plus strand). Cytogenetic location: 8q22.2.
Variant type: Indel.
Coding change: c.6442_6443delinsT on transcript NM_152564.5 (MANE Select); coding-DNA positions 6442 to 6443, CA replaced by T.
Protein change: p.Thr2147_Gln2148insTer.
Molecular consequence: nonsense.
Genome position (GRCh38, 1-based): chr8:99,699,920-99,699,921, CA replaced by T. VCF-style: chr8-99699920-CA-T. GRCh37 (hg19) VCF-style: chr8-100712148-CA-T.
Other names: c.6517_6518delinsT, p.Thr2172_Gln2173insTer (NM_017890.5).
Identifiers: ClinVar variation 4081824 (VCV004081824.1).